The following is an entry in ClinVar:

ClinVar aggregate classification (germline): Pathogenic. Review status: reviewed by expert panel (3 of 4 stars). 4 submissions from 4 submitters: Pathogenic (1). 3 of the submissions do not count toward it. Last evaluated 2023-08-29.

Conditions:
CDH1-related diffuse gastric and lobular breast cancer syndrome. Also called: CDH1-related diffuse gastric and lobular breast cancer. Identifiers: MedGen CN311521, MONDO:0100488.
Hereditary diffuse gastric adenocarcinoma (HDGC). Also called: DIFFUSE GASTRIC AND LOBULAR BREAST CANCER SYNDROME. Identifiers: Orphanet 26106, MedGen C1708349, MONDO:0007648, OMIM 137215.

Submissions (4):

Clingen Gastric Cancer Variant Curation Expert Panel
Classification: Pathogenic for CDH1-related diffuse gastric and lobular breast cancer syndrome. Last evaluated: 2023-08-29. Review status: reviewed by expert panel. Criteria: ClinGen CDH1 ACMG Specifications V3.1. Collection method: curation. Allele origin: germline. Inheritance: Autosomal dominant inheritance.
Comment: The c.208dup p.(Ser70Phefs) variant is predicted to result in a premature stop codon that leads to a truncated or absent protein (PVS1, PM5_Supporting). The variant is absent in the gnomAD cohort (PM2_Supporting). This variant has been reported in at least two family meeting HDGC clinical criteria (PS4_Moderate; SCV000637771.2, SCV000779081.2). In summary, this variant meets criteria to be classified as pathogenic based on the ACMG/AMP criteria applied as specified by the CDH1 Variant Curation Expert Panel (Variant Interpretation Guidelines Version 3.1): PVS1, PM2_Supporting, PS4_Moderate, PM5_Supporting.

European Reference Network on Genetic Tumour Risk Syndromes (ERN-GENTURIS), i3s - Instituto de Investigação e Inovação em Saúde, University of Porto
Classification: Pathogenic for Hereditary diffuse gastric adenocarcinoma. Last evaluated: 2022-08-01. Review status: criteria provided, single submitter. Criteria: Lee et al. (Hum Mutat. 2018). Collection method: clinical testing. Allele origin: germline. Inheritance: Autosomal dominant inheritance. Affected: no. Study: ERN GENTURIS. Not counted in ClinVar's aggregate classification.
Comment: PVS1; PS4_Moderate; PM2 (PMID: 30311375)

Labcorp Genetics (formerly Invitae), Labcorp
Classification: Pathogenic for Hereditary diffuse gastric adenocarcinoma. Last evaluated: 2018-02-16. Review status: criteria provided, single submitter. Criteria: Invitae Variant Classification Sherloc (09022015). Collection method: clinical testing. Allele origin: germline. Not counted in ClinVar's aggregate classification.
Comment: For these reasons, this variant has been classified as Pathogenic. Loss-of-function variants in CDH1 are known to be pathogenic (PMID: 15235021, 20373070). This variant has not been reported in the literature in individuals with CDH1-related disease. ClinVar contains an entry for this variant (Variation ID: 463742). This variant is not present in population databases (ExAC no frequency). This sequence change creates a premature translational stop signal (p.Ser70Phefs*24) in the CDH1 gene. It is expected to result in an absent or disrupted protein product.

GeneDx
Classification: Likely pathogenic. Last evaluated: 2017-06-21. Review status: criteria provided, single submitter. Criteria: GeneDx Variant Classification (06012015). Collection method: clinical testing. Allele origin: germline. Affected: yes. Not counted in ClinVar's aggregate classification.
Comment: This duplication of one nucleotide in CDH1 is denoted c.208dupT at the cDNA level and p.Ser70PhefsX24 (S70FfsX24) at the protein level. The normal sequence, with the base that is duplicated in brackets, is ATTTT[dupT]CCCT. The duplication causes a frameshift which changes a Serine to a Phenylalanine at codon 70, and creates a premature stop codon at position 24 of the new reading frame. Although this variant has not, to our knowledge, been reported in the literature, it is predicted to cause loss of normal protein function through either protein truncation or nonsense-mediated mRNA decay. Based on the currently available information, we consider this duplication to be a likely pathogenic variant.

Literature cited by the submitters: PubMed 36436516 (cited by European Reference Network on Genetic Tumour Risk Syndromes (ERN-GENTURIS), i3s - Instituto de Investigação e Inovação em Saúde, University of Porto); PubMed 15235021 (cited by Labcorp Genetics (formerly Invitae), Labcorp); PubMed 20373070 (cited by Labcorp Genetics (formerly Invitae), Labcorp).

NM_004360.5(CDH1):c.208dup (p.Ser70fs)

Gene: CDH1 (cadherin 1; plus strand). Cytogenetic location: 16q22.1.
Variant type: Duplication.
Coding change: c.208dup on transcript NM_004360.5 (MANE Select); coding-DNA position 208, one base duplicated (T; older notation c.208dupT).
Protein change: p.Ser70fs; shifts the reading frame from serine 70.
Molecular consequence: frameshift variant. On other transcripts: 5 prime UTR variant (2).
Genome position (GRCh38, 1-based): chr16:68,801,714, T duplicated; the last of 5 consecutive T bases (chr16:68,801,710-68,801,714); duplicating any one gives the same sequence. VCF-style (leftmost placement, unchanged base first): chr16-68801709-A-AT. GRCh37 (hg19) VCF-style: chr16-68835612-A-AT.
Other names: c.208dup (LRG_301t1, NM_004360.4); c.208dup, p.Ser70fs (NM_001317184.2); c.-1408dup (NM_001317185.2); c.-1612dup (NM_001317186.2); c.208dupT (NM_004360.3); short protein forms S70fs.
Identifiers: ClinVar variation 463742 (VCV000463742.11), dbSNP rs1555514406, ClinGen allele CA645596587.